The following is an entry in ClinVar:

ClinVar aggregate classification (germline): Uncertain significance (1 of 4 stars; one submission).

Conditions:
Fetal akinesia deformation sequence 1 (FADS1). Also called: Pena-Shokeir syndrome type I; Fetal akinesia sequence. Identifiers: Orphanet 994, MedGen C1276035, MONDO:0100101, OMIM 208150, HP:0001989.
Congenital myasthenic syndrome 9. Also called: Myasthenic syndrome, congenital, 9, associated with acetylcholine receptor deficiency. Identifiers: Orphanet 590, MedGen C4225368, MONDO:0014587, OMIM 616325.

Allele frequency attached by ClinVar (database versions not stated): gnomAD exomes below 0.00001 and 0.00001; TOPMed below 0.00001; ExAC 0.00001; gnomAD 0.00001.
gnomAD v4.1: 3 of 1,613,772 alleles (0.00019%); highest among the groups gnomAD compares: Admixed American, 0.0033%; no homozygotes.

Submission:

Labcorp Genetics (formerly Invitae), Labcorp
Classification: Uncertain significance for Congenital myasthenic syndrome 9; Fetal akinesia deformation sequence 1. Last evaluated: 2022-06-27. Review status: criteria provided, single submitter. Criteria: Invitae Variant Classification Sherloc (09022015). Collection method: clinical testing. Allele origin: germline.
Comment: In summary, the available evidence is currently insufficient to determine the role of this variant in disease. Therefore, it has been classified as a Variant of Uncertain Significance. Advanced modeling of protein sequence and biophysical properties (such as structural, functional, and spatial information, amino acid conservation, physicochemical variation, residue mobility, and thermodynamic stability) performed at Invitae indicates that this missense variant is expected to disrupt MUSK protein function. This variant has not been reported in the literature in individuals affected with MUSK-related conditions. This variant is present in population databases (rs760781844, gnomAD 0.006%). This sequence change replaces cysteine, which is neutral and slightly polar, with phenylalanine, which is neutral and non-polar, at codon 99 of the MUSK protein (p.Cys99Phe).

NM_005592.4(MUSK):c.296G>T (p.Cys99Phe)

Gene: MUSK (muscle associated receptor tyrosine kinase; plus strand). Cytogenetic location: 9q31.3.
Variant type: single nucleotide variant.
Coding change: c.296G>T on transcript NM_005592.4 (MANE Select); coding-DNA position 296, G replaced by T.
Protein change: p.Cys99Phe; replaces cysteine 99 with phenylalanine.
Molecular consequence: missense variant.
Genome position (GRCh38, 1-based): chr9:110,687,206, G>T. VCF-style: chr9-110687206-G-T. GRCh37 (hg19) VCF-style: chr9-113449486-G-T.
Other names: c.296G>T, p.Cys99Phe (NM_001166280.2, NM_001166281.2); short protein forms C99F.
Identifiers: ClinVar variation 1495195 (VCV001495195.6), dbSNP rs760781844, ClinGen allele CA5183977.